The following is an entry in ClinVar:

NM_003355.3(UCP2):c.151G>A (p.Val51Met)

Gene: UCP2 (uncoupling protein 2; minus strand). Cytogenetic location: 11q13.4.
Variant type: single nucleotide variant.
Coding change: c.151G>A on transcript NM_003355.3 (MANE Select); coding-DNA position 151, G replaced by A.
Protein change: p.Val51Met; replaces valine 51 with methionine.
Molecular consequence: missense variant.
Genome position (GRCh38, 1-based): chr11:73,978,072, C>T on the plus strand (G>A on the coding strand, the complement: UCP2 is on the minus strand). VCF-style: chr11-73978072-C-T. GRCh37 (hg19) VCF-style: chr11-73689117-C-T.
Other names: c.151G>A, p.Val51Met (NM_001381943.1, NM_001381944.1, NM_001381945.1 and 4 more transcripts); short protein forms V51M.
Identifiers: ClinVar variation 2191040 (VCV002191040.4), dbSNP rs369398270, ClinGen allele CA224505781.

ClinVar aggregate classification (germline): Uncertain significance (1 of 4 stars; one submission).

Allele frequency attached by ClinVar (database versions not stated): TOPMed below 0.00001; gnomAD exomes 0.00001; gnomAD 0.00002; ESP Exome Variant Server 0.00008.
gnomAD v4.1: 21 of 1,614,020 alleles (0.0013%); highest among the groups gnomAD compares: Non-Finnish European, 0.0018%; no homozygotes.

Submission:

Labcorp Genetics (formerly Invitae), Labcorp
Classification: Uncertain significance. Last evaluated: 2024-04-22. Review status: criteria provided, single submitter. Criteria: Invitae Variant Classification Sherloc (09022015). Collection method: clinical testing. Allele origin: germline.
Comment: This sequence change replaces valine, which is neutral and non-polar, with methionine, which is neutral and non-polar, at codon 51 of the UCP2 protein (p.Val51Met). The frequency data for this variant in the population databases is considered unreliable, as metrics indicate poor data quality at this position in the gnomAD database. This variant has not been reported in the literature in individuals affected with UCP2-related conditions. ClinVar contains an entry for this variant (Variation ID: 2191040). Algorithms developed to predict the effect of missense changes on protein structure and function output the following: SIFT: "Not Available"; PolyPhen-2: "Benign"; Align-GVGD: "Not Available". The methionine amino acid residue is found in multiple mammalian species, which suggests that this missense change does not adversely affect protein function. In summary, the available evidence is currently insufficient to determine the role of this variant in disease. Therefore, it has been classified as a Variant of Uncertain Significance.